The following is an entry in ClinVar:

NM_000116.5(TAFAZZIN):c.710_711del (p.Val237fs)

Gene: TAFAZZIN (tafazzin, phospholipid-lysophospholipid transacylase; plus strand). Cytogenetic location: Xq28.
Variant type: Microsatellite.
Coding change: c.710_711del on transcript NM_000116.5 (MANE Select); coding-DNA positions 710 to 711, 2 bases deleted (TG; older notation c.710_711delTG).
Protein change: p.Val237fs; shifts the reading frame from valine 237.
Molecular consequence: frameshift variant. On other transcripts: non-coding transcript variant (1).
Genome position (GRCh38, 1-based): chrX:154,420,668-154,420,669, TG deleted; deleting any 2 consecutive bases within chrX:154,420,666-154,420,669 gives the same sequence; the c. name uses the placement nearest the transcript's 3' end. VCF-style (leftmost placement, unchanged base first): chrX-154420665-CTG-C. GRCh37 (hg19) VCF-style: chrX-153649004-CTG-C.
Other names: c.722_723del, p.Val241fs (NM_001303465.2); c.620_621del, p.Val207fs (NM_181311.4); c.668_669del, p.Val223fs (NM_181312.4); c.578_579del, p.Val193fs (NM_181313.4); short protein forms V193fs, V207fs, V223fs, V237fs, V241fs.
Identifiers: ClinVar variation 177908 (VCV000177908.5), dbSNP rs727504394, ClinGen allele CA273527.

ClinVar aggregate classification (germline): Pathogenic (1 of 4 stars; one submission).

Conditions:
3-Methylglutaconic aciduria type 2 (BTHS). Also called: CARDIOSKELETAL MYOPATHY WITH NEUTROPENIA AND ABNORMAL MITOCHONDRIA; Barth syndrome. Identifiers: Orphanet 111, MedGen C0574083, MONDO:0010543, OMIM 302060.
Primary dilated cardiomyopathy (DCM). Also called: Dilated Cardiomyopathy. Identifiers: Orphanet 217604, MedGen C0007193, MeSH D002311, MONDO:0005021, HP:0001644. Inheritance: Various modes of inheritance.

Submission:

Laboratory for Molecular Medicine, Mass General Brigham Personalized Medicine
Classification: Pathogenic for Primary dilated cardiomyopathy; 3-Methylglutaconic aciduria type 2. Last evaluated: 2011-06-21. Review status: criteria provided, single submitter. Criteria: LMM Criteria. Collection method: clinical testing. Allele origin: germline. Observed: 1 variant allele.
Comment: The Val237fs variant has been reported in the Barth syndrome database although n o clinical data are available. This variant is p redicted to cause a frameshift in the protein's amino acid sequence beginning at codon 237 and altering the remaining 56 amino acids, as well as including an ad ditional 17 amino acids. The severity of this alteration makes it highly likely that this variant is pathogenic. In summary, this variant fulfills our pathogenicity criteria based on de novo occurrence, predicted impact of the variant on the protein as well as consisten cy of this individual?s clinical presentation with the presence of a TAZ variant .